The following is an entry in ClinVar:

ClinVar aggregate classification (germline): Likely benign (1 of 4 stars; one submission).

Submission:

CeGaT Center for Human Genetics Tuebingen
Classification: Likely benign. Last evaluated: 2024-09-01. Review status: criteria provided, single submitter. Criteria: CeGaT Center For Human Genetics Tuebingen Variant Classification Criteria Version 2. Collection method: clinical testing. Allele origin: germline. Affected: yes. Observed: 1 variant allele.
Comment: EXTL3: PM2:Supporting, BP4, BP7

NM_001440.4(EXTL3):c.1653T>G (p.Ala551=)

Gene: EXTL3 (exostosin like glycosyltransferase 3; plus strand). Cytogenetic location: 8p21.1.
Variant type: single nucleotide variant.
Coding change: c.1653T>G on transcript NM_001440.4 (MANE Select); coding-DNA position 1653, T replaced by G.
Protein change: p.Ala551=; no amino-acid change (alanine 551 retained).
Molecular consequence: synonymous variant.
Genome position (GRCh38, 1-based): chr8:28,717,712, T>G. VCF-style: chr8-28717712-T-G. GRCh37 (hg19) VCF-style: chr8-28575229-T-G.
Identifiers: ClinVar variation 3388596 (VCV003388596.14).